The following is an entry in ClinVar:

ClinVar aggregate classification (germline): Uncertain significance. Review status: criteria provided, multiple submitters, no conflicts (2 of 4 stars). 5 submissions from 5 submitters: Uncertain significance (5). Last evaluated 2026-08-27.

Conditions:
Inborn genetic diseases. Identifiers: MedGen C0950123, MeSH D030342.
NEK8-related disorder. Also called: NEK8-related condition.
Renal-hepatic-pancreatic dysplasia 2 (RHPD2). Identifiers: MedGen C3809434, MONDO:0014174, OMIM 615415.
Nephronophthisis 9 (NPHP9). Identifiers: Orphanet 655, MedGen C3151188, MONDO:0013444, OMIM 613824.

Allele frequency attached by ClinVar (database versions not stated): gnomAD exomes 0.00015 and 0.00014; ESP Exome Variant Server 0.00015; ExAC 0.00017; gnomAD 0.00022 and 0.00024; TOPMed 0.00016.

Submissions (5):

Ambry Genetics
Classification: Uncertain significance for Inborn genetic diseases. Last evaluated: 2026-08-27. Review status: criteria provided, single submitter. Criteria: Ambry Variant Classification Scheme 2023. Collection method: clinical testing. Allele origin: germline.

PreventionGenetics, part of Exact Sciences
Classification: Uncertain significance for NEK8-related condition. Last evaluated: 2026-06-10. Review status: criteria provided, single submitter. Criteria: ACMG Guidelines, 2015. Collection method: clinical testing. Allele origin: germline.
Comment: The NEK8 c.1967G>A variant is predicted to result in the amino acid substitution p.Arg656Gln. To our knowledge, this variant has not been reported in the literature. This variant is reported in 0.033% of alleles in individuals of European (Non-Finnish) descent in gnomAD. At this time, the clinical significance of this variant is uncertain due to the absence of conclusive functional and genetic evidence.

Labcorp Genetics (formerly Invitae), Labcorp
Classification: Uncertain significance for Nephronophthisis 9. Last evaluated: 2024-08-29. Review status: criteria provided, single submitter. Criteria: Invitae Variant Classification Sherloc (09022015). Collection method: clinical testing. Allele origin: germline.
Comment: This sequence change replaces arginine, which is basic and polar, with glutamine, which is neutral and polar, at codon 656 of the NEK8 protein (p.Arg656Gln). This variant is present in population databases (rs368453150, gnomAD 0.03%). This variant has not been reported in the literature in individuals affected with NEK8-related conditions. ClinVar contains an entry for this variant (Variation ID: 889765). An algorithm developed to predict the effect of missense changes on protein structure and function outputs the following: PolyPhen-2: "Benign". The glutamine amino acid residue is found in multiple mammalian species, which suggests that this missense change does not adversely affect protein function. In summary, the available evidence is currently insufficient to determine the role of this variant in disease. Therefore, it has been classified as a Variant of Uncertain Significance.

Fulgent Genetics
Classification: Uncertain significance for Nephronophthisis 9; Renal-hepatic-pancreatic dysplasia 2. Last evaluated: 2021-10-15. Review status: criteria provided, single submitter. Criteria: ACMG Guidelines, 2015. Collection method: clinical testing. Allele origin: unknown.

Illumina Laboratory Services, Illumina
Classification: Uncertain significance for Nephronophthisis 9. Last evaluated: 2018-01-12. Review status: criteria provided, single submitter. Criteria: ICSL Variant Classification Criteria 13 December 2019. Collection method: clinical testing. Allele origin: germline.

NM_178170.3(NEK8):c.1967G>A (p.Arg656Gln)

Gene: NEK8 (NIMA related kinase 8; plus strand). Cytogenetic location: 17q11.2.
Variant type: single nucleotide variant.
Coding change: c.1967G>A on transcript NM_178170.3 (MANE Select); coding-DNA position 1967, G replaced by A.
Protein change: p.Arg656Gln; replaces arginine 656 with glutamine.
Molecular consequence: missense variant.
Genome position (GRCh38, 1-based): chr17:28,741,488, G>A. VCF-style: chr17-28741488-G-A. GRCh37 (hg19) VCF-style: chr17-27068506-G-A.
Other names: short protein forms R656Q.
Identifiers: ClinVar variation 889765 (VCV000889765.12), dbSNP rs368453150, ClinGen allele CA8467605.